The following is an entry in ClinVar:

ClinVar aggregate classification (germline): Conflicting classifications of pathogenicity. Review status: criteria provided, conflicting classifications (1 of 4 stars). 2 submissions from 2 submitters: Uncertain significance (1); Likely benign (1). Last evaluated 2023-03-23.

Conditions:
Hereditary cancer-predisposing syndrome. Also called: Hereditary Cancer Syndrome; Tumor predisposition; Hereditary neoplastic syndrome; Neoplastic Syndromes, Hereditary. Identifiers: Orphanet 140162, MedGen C0027672, MeSH D009386, MONDO:0015356.
Hereditary breast ovarian cancer syndrome. Also called: Hereditary breast and ovarian cancer; Hereditary breast and ovarian cancer syndrome; BRCA1- and BRCA2-Associated Hereditary Breast and Ovarian Cancer; Hereditary breast and ovarian cancer syndrome (HBOC); Breast and ovarian cancer; Hereditary breast and/or ovarian cancer syndrome. Identifiers: Orphanet 145, MedGen C0677776, MeSH D061325, MONDO:0003582. Disease mechanism: loss of function.

Submissions (2):

University of Washington Department of Laboratory Medicine, University of Washington
Classification: Likely benign for Hereditary cancer-predisposing syndrome. Last evaluated: 2023-03-23. Review status: criteria provided, single submitter. Criteria: Dines et al. (Genet Med. 2020). Collection method: curation. Allele origin: germline.
Comment: Missense variant in a coldspot region where missense variants are very unlikely to be pathogenic (PMID:31911673).

BRCA2 exon 10 coldspot. Reclassification based on statistical prior probability.

Labcorp Genetics (formerly Invitae), Labcorp
Classification: Uncertain significance for Hereditary breast ovarian cancer syndrome. Last evaluated: 2022-06-28. Review status: criteria provided, single submitter. Criteria: Invitae Variant Classification Sherloc (09022015). Collection method: clinical testing. Allele origin: germline.
Comment: In summary, the available evidence is currently insufficient to determine the role of this variant in disease. Therefore, it has been classified as a Variant of Uncertain Significance. Advanced modeling of protein sequence and biophysical properties (such as structural, functional, and spatial information, amino acid conservation, physicochemical variation, residue mobility, and thermodynamic stability) performed at Invitae indicates that this missense variant is not expected to disrupt BRCA2 protein function. ClinVar contains an entry for this variant (Variation ID: 647788). This variant has not been reported in the literature in individuals affected with BRCA2-related conditions. This variant is not present in population databases (gnomAD no frequency). This sequence change replaces isoleucine, which is neutral and non-polar, with lysine, which is basic and polar, at codon 488 of the BRCA2 protein (p.Ile488Lys).

NM_000059.4(BRCA2):c.1463T>A (p.Ile488Lys)

Gene: BRCA2 (BRCA2 DNA repair associated; plus strand). Cytogenetic location: 13q13.1.
Variant type: single nucleotide variant.
Coding change: c.1463T>A on transcript NM_000059.4 (MANE Select); coding-DNA position 1463, T replaced by A.
Protein change: p.Ile488Lys; replaces isoleucine 488 with lysine.
Molecular consequence: missense variant.
Genome position (GRCh38, 1-based): chr13:32,332,941, T>A. VCF-style: chr13-32332941-T-A. GRCh37 (hg19) VCF-style: chr13-32907078-T-A.
Other names: short protein forms I488K.
Identifiers: ClinVar variation 647788 (VCV000647788.10), dbSNP rs80358436, ClinGen allele CA387764373.